The following is an entry in ClinVar:

NM_004304.5(ALK):c.245C>G (p.Ala82Gly)

Gene: ALK (ALK receptor tyrosine kinase; minus strand). Cytogenetic location: 2p23.1.
Variant type: single nucleotide variant.
Coding change: c.245C>G on transcript NM_004304.5 (MANE Select); coding-DNA position 245, C replaced by G.
Protein change: p.Ala82Gly; replaces alanine 82 with glycine.
Molecular consequence: missense variant.
Genome position (GRCh38, 1-based): chr2:29,920,415, G>C on the plus strand (C>G on the coding strand, the complement: ALK is on the minus strand). VCF-style: chr2-29920415-G-C. GRCh37 (hg19) VCF-style: chr2-30143281-G-C.
Other names: short protein forms A82G.
Identifiers: ClinVar variation 3223834 (VCV003223834.1), dbSNP rs2148443641, ClinGen allele CA346590409.

ClinVar aggregate classification (germline): Uncertain significance (1 of 4 stars; one submission).

Conditions:
Hereditary cancer-predisposing syndrome. Also called: Tumor predisposition; Hereditary neoplastic syndrome; Hereditary Cancer Syndrome; Neoplastic Syndromes, Hereditary. Identifiers: Orphanet 140162, MedGen C0027672, MeSH D009386, MONDO:0015356.

Submission:

Ambry Genetics
Classification: Uncertain significance for Hereditary cancer-predisposing syndrome. Last evaluated: 2023-09-28. Review status: criteria provided, single submitter. Criteria: Ambry Variant Classification Scheme 2023. Collection method: clinical testing. Allele origin: germline.
Comment: The p.A82G variant (also known as c.245C>G), located in coding exon 1 of the ALK gene, results from a C to G substitution at nucleotide position 245. The alanine at codon 82 is replaced by glycine, an amino acid with similar properties. This amino acid position is conserved. In addition, this alteration is predicted to be tolerated by in silico analysis. Since supporting evidence is limited at this time, the clinical significance of this alteration remains unclear.